The following is an entry in ClinVar:

NM_024408.4(NOTCH2):c.4178G>A (p.Arg1393His)

Gene: NOTCH2 (notch receptor 2; minus strand). Cytogenetic location: 1p12.
Variant type: single nucleotide variant.
Coding change: c.4178G>A on transcript NM_024408.4 (MANE Select); coding-DNA position 4178, G replaced by A.
Protein change: p.Arg1393His; replaces arginine 1393 with histidine.
Molecular consequence: missense variant.
Genome position (GRCh38, 1-based): chr1:119,925,638, C>T on the plus strand (G>A on the coding strand, the complement: NOTCH2 is on the minus strand). VCF-style: chr1-119925638-C-T. GRCh37 (hg19) VCF-style: chr1-120468261-C-T.
Other names: p.Arg1393His; c.4178G>A (NM_024408.3); short protein forms R1393H.
Identifiers: ClinVar variation 445514 (VCV000445514.10), dbSNP rs587735797, ClinGen allele CA1039899.

ClinVar aggregate classification (germline): Conflicting classifications of pathogenicity. Review status: criteria provided, conflicting classifications (1 of 4 stars). 6 submissions from 6 submitters: Uncertain significance (4); Likely benign (1). 1 of the submissions does not count toward it. Last evaluated 2025-10-06.

Conditions:
NOTCH2-related disorder. Also called: NOTCH2-related condition.
Hajdu-Cheney syndrome (HJCYS). Also called: ACROOSTEOLYSIS WITH OSTEOPOROSIS AND CHANGES IN SKULL AND MANDIBLE; SERPENTINE FIBULA-POLYCYSTIC KIDNEY SYNDROME; Acroosteolysis dominant type. Identifiers: Orphanet 955, MedGen C0917715, MONDO:0007057, OMIM 102500.
Alagille syndrome due to a NOTCH2 point mutation. Also called: Alagille syndrome 2. Identifiers: Orphanet 261629, Orphanet 52, MedGen C1857761, MONDO:0012439, OMIM 610205.
Inborn genetic diseases. Identifiers: MedGen C0950123, MeSH D030342.

Allele frequency attached by ClinVar (database versions not stated): gnomAD 0.00001; TOPMed 0.00001; ExAC 0.00002; gnomAD exomes 0.00003; 1000 Genomes Project 30x 0.00016; 1000 Genomes Project 0.00020.
gnomAD v4.1: 9 of 1,613,038 alleles (0.00056%); highest among the groups gnomAD compares: Middle Eastern, 0.017%; no homozygotes.

Submissions (6):

Mayo Clinic Laboratories, Mayo Clinic
Classification: Uncertain significance. Last evaluated: 2025-10-06. Review status: criteria provided, single submitter. Criteria: ACMG Guidelines, 2015. Collection method: clinical testing. Allele origin: germline. Observed: 1 variant allele.
Comment: BP4_strong, PM2_supporting

Labcorp Genetics (formerly Invitae), Labcorp
Classification: Uncertain significance for Hajdu-Cheney syndrome. Last evaluated: 2025-08-18. Review status: criteria provided, single submitter. Criteria: Invitae Variant Classification Sherloc (09022015). Collection method: clinical testing. Allele origin: germline.
Comment: This sequence change replaces arginine, which is basic and polar, with histidine, which is basic and polar, at codon 1393 of the NOTCH2 protein (p.Arg1393His). This variant is present in population databases (rs587735797, gnomAD 0.006%). This variant has not been reported in the literature in individuals affected with NOTCH2-related conditions. ClinVar contains an entry for this variant (Variation ID: 445514). Invitae Evidence Modeling of protein sequence and biophysical properties (such as structural, functional, and spatial information, amino acid conservation, physicochemical variation, residue mobility, and thermodynamic stability) indicates that this missense variant is not expected to disrupt NOTCH2 protein function with a negative predictive value of 80%. In summary, the available evidence is currently insufficient to determine the role of this variant in disease. Therefore, it has been classified as a Variant of Uncertain Significance.

Ambry Genetics
Classification: Likely benign for Inborn genetic diseases. Last evaluated: 2024-11-10. Review status: criteria provided, single submitter. Criteria: Ambry Variant Classification Scheme 2023. Collection method: clinical testing. Allele origin: germline.

Fulgent Genetics
Classification: Uncertain significance for Hajdu-Cheney syndrome; Alagille syndrome due to a NOTCH2 point mutation. Last evaluated: 2024-01-24. Review status: criteria provided, single submitter. Criteria: ACMG Guidelines, 2015. Collection method: clinical testing. Allele origin: germline.

Center for Pediatric Genomic Medicine, Children's Mercy Hospital and Clinics
Classification: Uncertain significance. Last evaluated: 2017-06-28. Review status: criteria provided, single submitter. Criteria: ACMG Guidelines, 2015. Collection method: clinical testing. Allele origin: germline.

PreventionGenetics, part of Exact Sciences
Classification: Uncertain significance for NOTCH2-related condition. Last evaluated: 2023-12-19. Review status: no assertion criteria provided. Collection method: clinical testing. Allele origin: germline. Not counted in ClinVar's aggregate classification.
Comment: The NOTCH2 c.4178G>A variant is predicted to result in the amino acid substitution p.Arg1393His. To our knowledge, this variant has not been reported in the literature. This variant is reported in 0.016% of alleles in individuals of East Asian descent in gnomAD. At this time, the clinical significance of this variant is uncertain due to the absence of conclusive functional and genetic evidence.